The following is an entry in ClinVar:

NC_012920.1(MT-ATP8):m.8388T>C

Gene: MT-ATP8 (mitochondrially encoded ATP synthase 8; plus strand).
Variant type: single nucleotide variant.
Genome position: chrM-8388-T-C.
Identifiers: ClinVar variation 692840 (VCV000692840.2), dbSNP rs879199176, ClinGen allele CA337097843.

ClinVar aggregate classification (germline): Benign/Likely benign. Review status: criteria provided, multiple submitters, no conflicts (2 of 4 stars). 2 submissions from 2 submitters: Benign (1); Likely benign (1). Last evaluated 2025-02-16.

Conditions:
Leigh syndrome (NULS). Also called: Leigh's necrotizing encephalopathy; Leigh's disease; Leigh Syndrome (mtDNA deletion); Leigh Disease; Subacute necrotizing encephalopathy; Necrotizing encephalopathy infantile subacute of Leigh. Identifiers: Orphanet 506, MedGen C2931891, MONDO:0009723, OMIM 256000.

Submissions (2):

Laboratory of Genetics, Children's Clinical University Hospital Latvia
Classification: Likely benign. Last evaluated: 2025-02-16. Review status: criteria provided, single submitter. Criteria: ACMG Guidelines, 2015. Collection method: clinical testing. Allele origin: germline. Affected: yes.

Wong Mito Lab, Molecular and Human Genetics, Baylor College of Medicine
Classification: Benign for Leigh syndrome. Last evaluated: 2019-10-17. Review status: criteria provided, single submitter. Criteria: Modified ACMG Guidelines (Unpublished). Collection method: clinical testing. Allele origin: germline.
Comment: The NC_012920.1:m.8388T>C (YP_003024030.1:p.Val8Ala) variant in MTATP8 gene is interpretated to be a Benign variant based on the modified ACMG guidelines (unpublished). This variant meets the following evidence codes: BS1, BS2